The following is an entry in ClinVar:

ClinVar aggregate classification (germline): Uncertain significance (1 of 4 stars; one submission).

Allele frequency attached by ClinVar (database versions not stated): gnomAD exomes below 0.00001.
gnomAD v4.1: 2 of 1,613,550 alleles (0.00012%); highest among the groups gnomAD compares: Non-Finnish European, 0.00017%; no homozygotes.

Submission:

Labcorp Genetics (formerly Invitae), Labcorp
Classification: Uncertain significance. Last evaluated: 2025-10-13. Review status: criteria provided, single submitter. Criteria: Invitae Variant Classification Sherloc (09022015). Collection method: clinical testing. Allele origin: germline.
Comment: This sequence change creates a premature translational stop signal (p.Arg114*) in the SIX6 gene. It is expected to result in an absent or disrupted protein product. However, the current clinical and genetic evidence is not sufficient to establish whether loss-of-function variants in SIX6 cause disease. This variant is not present in population databases (gnomAD no frequency). This variant has not been reported in the literature in individuals affected with SIX6-related conditions. ClinVar contains an entry for this variant (Variation ID: 1979496). In summary, the available evidence is currently insufficient to determine the role of this variant in disease. Therefore, it has been classified as a Variant of Uncertain Significance.

NM_007374.3(SIX6):c.340C>T (p.Arg114Ter)

Genes: C14orf39 (chromosome 14 open reading frame 39; minus strand), SIX6 (SIX homeobox 6; plus strand). Cytogenetic location: 14q23.1.
Variant type: single nucleotide variant.
Coding change: c.340C>T on transcript NM_007374.3 (MANE Select); coding-DNA position 340, C replaced by T.
Protein change: p.Arg114Ter; replaces arginine 114 with a stop codon.
Molecular consequence: nonsense.
Genome position (GRCh38, 1-based): chr14:60,509,738, C>T. VCF-style: chr14-60509738-C-T. GRCh37 (hg19) VCF-style: chr14-60976456-C-T.
Other names: short protein forms R114*.
Identifiers: ClinVar variation 1979496 (VCV001979496.4), dbSNP rs2503605837, ClinGen allele CA390086906.